The following is an entry in ClinVar:

ClinVar aggregate classification (germline): Uncertain significance. Review status: criteria provided, multiple submitters, no conflicts (2 of 4 stars). 2 submissions from 2 submitters: Uncertain significance (2). Last evaluated 2024-02-27.

Allele frequency attached by ClinVar (database versions not stated): TOPMed 0.00002; gnomAD 0.00005; ExAC 0.00006; gnomAD exomes 0.00006 and 0.00009.

Submissions (2):

Blueprint Genetics
Classification: Uncertain significance. Last evaluated: 2024-02-27. Review status: criteria provided, single submitter. Criteria: ACMG Guidelines, 2015. Collection method: clinical testing. Allele origin: germline.

Labcorp Genetics (formerly Invitae), Labcorp
Classification: Uncertain significance. Last evaluated: 2021-10-14. Review status: criteria provided, single submitter. Criteria: Invitae Variant Classification Sherloc (09022015). Collection method: clinical testing. Allele origin: germline.
Comment: Algorithms developed to predict the effect of missense changes on protein structure and function are either unavailable or do not agree on the potential impact of this missense change (SIFT: "Tolerated"; PolyPhen-2: "Possibly Damaging"; Align-GVGD: "Class C15"). In summary, the available evidence is currently insufficient to determine the role of this variant in disease. Therefore, it has been classified as a Variant of Uncertain Significance. This variant has not been reported in the literature in individuals affected with COX6A1-related conditions. This variant is present in population databases (rs757837742, ExAC 0.08%). This sequence change replaces histidine with tyrosine at codon 62 of the COX6A1 protein (p.His62Tyr). The histidine residue is weakly conserved and there is a moderate physicochemical difference between histidine and tyrosine.

NM_004373.4(COX6A1):c.184C>T (p.His62Tyr)

Gene: COX6A1 (cytochrome c oxidase subunit 6A1; plus strand). Cytogenetic location: 12q24.31.
Variant type: single nucleotide variant.
Coding change: c.184C>T on transcript NM_004373.4 (MANE Select); coding-DNA position 184, C replaced by T.
Protein change: p.His62Tyr; replaces histidine 62 with tyrosine.
Molecular consequence: missense variant.
Genome position (GRCh38, 1-based): chr12:120,438,459, C>T. VCF-style: chr12-120438459-C-T. GRCh37 (hg19) VCF-style: chr12-120876262-C-T.
Other names: short protein forms H62Y.
Identifiers: ClinVar variation 1493527 (VCV001493527.7), dbSNP rs757837742, ClinGen allele CA6828022.